The following is an entry in ClinVar:

NM_000142.5(FGFR3):c.1535-20G>A

Gene: FGFR3 (fibroblast growth factor receptor 3; plus strand). Cytogenetic location: 4p16.3.
Variant type: single nucleotide variant.
Coding change: c.1535-20G>A on transcript NM_000142.5 (MANE Select); 20 bases into the intron before coding-DNA position 1535, G replaced by A.
Molecular consequence: intron variant.
Genome position (GRCh38, 1-based): chr4:1,805,539, G>A. VCF-style: chr4-1805539-G-A. GRCh37 (hg19) VCF-style: chr4-1807266-G-A.
Other names: c.1541-20G>A (NM_001163213.2); c.1538-20G>A (NM_001354809.2, NM_001354810.2); c.1199-20G>A (NM_022965.4).
Identifiers: ClinVar variation 506843 (VCV000506843.18), dbSNP rs113557371, ClinGen allele CA2810456.

ClinVar aggregate classification (germline): Benign/Likely benign. Review status: criteria provided, multiple submitters, no conflicts (2 of 4 stars). 4 submissions from 4 submitters: Benign (3); Likely benign (1). Last evaluated 2025-12-23.

Allele frequency attached by ClinVar (database versions not stated): gnomAD exomes 0.00037; ExAC 0.00047; 1000 Genomes Project 0.00120; 1000 Genomes Project 30x 0.00141; ESP Exome Variant Server 0.00161; gnomAD 0.00161 and 0.00174; TOPMed 0.00171.
gnomAD v4.1: 469 of 1,612,824 alleles (0.029%); highest among the groups gnomAD compares: African/African-American, 0.58%; 3 homozygotes.

Submissions (4):

Labcorp Genetics (formerly Invitae), Labcorp
Classification: Benign. Last evaluated: 2025-12-23. Review status: criteria provided, single submitter. Criteria: Invitae Variant Classification Sherloc (09022015). Collection method: clinical testing. Allele origin: germline.

Blueprint Genetics
Classification: Likely benign. Last evaluated: 2024-09-06. Review status: criteria provided, single submitter. Criteria: ACMG Guidelines, 2015. Collection method: clinical testing. Allele origin: germline.

ARUP Laboratories, Molecular Genetics and Genomics, ARUP Laboratories
Classification: Benign. Last evaluated: 2020-07-02. Review status: criteria provided, single submitter. Criteria: ARUP Molecular Germline Variant Investigation Process. Collection method: clinical testing. Allele origin: germline.

GeneDx
Classification: Benign. Last evaluated: 2017-07-17. Review status: criteria provided, single submitter. Criteria: GeneDx Variant Classification (06012015). Collection method: clinical testing. Allele origin: germline. Affected: yes.
Comment: This variant is considered likely benign or benign based on one or more of the following criteria: it is a conservative change, it occurs at a poorly conserved position in the protein, it is predicted to be benign by multiple in silico algorithms, and/or has population frequency not consistent with disease.